The following is an entry in ClinVar:

ClinVar aggregate classification (germline): Likely benign. Review status: criteria provided, single submitter (1 of 4 stars). 2 submissions from 2 submitters: Likely benign (1). 1 of the submissions does not count toward it.

Conditions:
MYO7B-related disorder. Also called: MYO7B-related condition.

Allele frequency attached by ClinVar (database versions not stated): TOPMed 0.00001; gnomAD 0.00003.
gnomAD v4.1: 28 of 1,599,154 alleles (0.0018%); highest among the groups gnomAD compares: Admixed American, 0.0051%; no homozygotes.

Submissions (2):

Breakthrough Genomics
Classification: Likely benign. Review status: criteria provided, single submitter. Criteria: ACMG Guidelines, 2015. Collection method: not provided. Allele origin: germline. Inheritance: Unknown mechanism. Affected: yes.

PreventionGenetics, part of Exact Sciences
Classification: Likely benign for MYO7B-related condition. Last evaluated: 2019-09-10. Review status: no assertion criteria provided. Collection method: clinical testing. Allele origin: germline. Not counted in ClinVar's aggregate classification.
Comment: This variant is classified as likely benign based on ACMG/AMP sequence variant interpretation guidelines (Richards et al. 2015 PMID: 25741868, with internal and published modifications).

NM_001393586.1(MYO7B):c.3507C>A (p.Pro1169=)

Gene: MYO7B (myosin VIIB; plus strand). Cytogenetic location: 2q14.3.
Variant type: single nucleotide variant.
Coding change: c.3507C>A on transcript NM_001393586.1 (MANE Select); coding-DNA position 3507, C replaced by A.
Protein change: p.Pro1169=; no amino-acid change (proline 1169 retained).
Molecular consequence: synonymous variant. On other transcripts: 5 prime UTR variant (1).
Genome position (GRCh38, 1-based): chr2:127,620,448, C>A. VCF-style: chr2-127620448-C-A. GRCh37 (hg19) VCF-style: chr2-128378023-C-A.
Other names: c.3429C>A, p.Pro1143= (NM_001080527.2); c.-13C>A (NM_001393594.1).
Identifiers: ClinVar variation 3039801 (VCV003039801.3), dbSNP rs1044980497, ClinGen allele CA55401707.